The following is an entry in ClinVar:

ClinVar aggregate classification (germline): Likely benign. Review status: criteria provided, multiple submitters, no conflicts (2 of 4 stars). 3 submissions from 3 submitters: Likely benign (2). 1 of the submissions does not count toward it. Last evaluated 2025-11-27.

Conditions:
RHO-related disorder. Also called: RHO-related condition.

Allele frequency attached by ClinVar (database versions not stated): ESP Exome Variant Server 0.00008; TOPMed 0.00011.
gnomAD v4.1: 104 of 1,613,472 alleles (0.0064%); highest among the groups gnomAD compares: Admixed American, 0.055%; 1 homozygote.

Submissions (3):

Labcorp Genetics (formerly Invitae), Labcorp
Classification: Likely benign. Last evaluated: 2025-11-27. Review status: criteria provided, single submitter. Criteria: Invitae Variant Classification Sherloc (09022015). Collection method: clinical testing. Allele origin: germline.

Blueprint Genetics
Classification: Likely benign. Last evaluated: 2021-10-15. Review status: criteria provided, single submitter. Criteria: ACMG Guidelines, 2015. Collection method: clinical testing. Allele origin: germline.

PreventionGenetics, part of Exact Sciences
Classification: Likely benign for RHO-related condition. Last evaluated: 2019-02-22. Review status: no assertion criteria provided. Collection method: clinical testing. Allele origin: germline. Not counted in ClinVar's aggregate classification.
Comment: This variant is classified as likely benign based on ACMG/AMP sequence variant interpretation guidelines (Richards et al. 2015 PMID: 25741868, with internal and published modifications).

NM_000539.3(RHO):c.696+9C>T

Gene: RHO (rhodopsin; plus strand). Cytogenetic location: 3q22.1.
Variant type: single nucleotide variant.
Coding change: c.696+9C>T on transcript NM_000539.3 (MANE Select); 9 bases into the intron after coding-DNA position 696, C replaced by T.
Molecular consequence: intron variant.
Genome position (GRCh38, 1-based): chr3:129,532,425, C>T. VCF-style: chr3-129532425-C-T. GRCh37 (hg19) VCF-style: chr3-129251268-C-T.
Identifiers: ClinVar variation 735910 (VCV000735910.13), dbSNP rs368352202, ClinGen allele CA2607247.
Genomic context (GRCh38, chr3:129,532,425, plus strand): 5'-CATGATTATCATCTTTTTCTGCTATGGGCAGCTCGTCTTCACCGTCAAGGAGGTACGGGC[C>T]GGGGGGTGGGCGGCCTCACGGCTCTGAGGGTCCAGCCCCCAGCATGCATCTGCGGCTCCT-3'